The following is an entry in ClinVar:

NM_000400.4(ERCC2):c.181A>T (p.Arg61Ter)

Gene: ERCC2 (ERCC excision repair 2, TFIIH core complex helicase subunit; minus strand). Cytogenetic location: 19q13.32.
Variant type: single nucleotide variant.
Coding change: c.181A>T on transcript NM_000400.4 (MANE Select); coding-DNA position 181, A replaced by T.
Protein change: p.Arg61Ter; replaces arginine 61 with a stop codon.
Molecular consequence: nonsense.
Genome position (GRCh38, 1-based): chr19:45,369,072, T>A on the plus strand (A>T on the coding strand, the complement: ERCC2 is on the minus strand). VCF-style: chr19-45369072-T-A. GRCh37 (hg19) VCF-style: chr19-45872330-T-A.
Other names: c.109A>T, p.Arg37Ter (NM_001130867.2); short protein forms R37*, R61*.
Identifiers: ClinVar variation 2710352 (VCV002710352.4), dbSNP rs1420151470, ClinGen allele CA406379379.

ClinVar aggregate classification (germline): Pathogenic. Review status: criteria provided, multiple submitters, no conflicts (2 of 4 stars). 2 submissions from 2 submitters: Pathogenic (2). Last evaluated 2026-02-10.

Conditions:
ERCC2-related disorder. Also called: ERCC2-related disorders; ERCC2-related conditions; ERCC2-related condition. Identifiers: MedGen CN239291.

Submissions (2):

Myriad Genetics, Inc.
Classification: Pathogenic for ERCC2-related disorder. Last evaluated: 2026-02-10. Review status: criteria provided, single submitter. Criteria: Myriad Autosomal Dominant, Autosomal Recessive and X-Linked Classification Criteria (2023). Collection method: clinical testing. Allele origin: unknown.
Comment: NM_000400.3(ERCC2):c.181A>T(R61*) is expected to be pathogenic in the context of ERCC2-related disorders. This variant is predicted to lead to an abnormal or absent protein product due to the creation of a premature termination codon in ERCC2, a gene where loss-of-function variants are known to be pathogenic. Please note: this variant was assessed in the context of healthy population screening.

Labcorp Genetics (formerly Invitae), Labcorp
Classification: Pathogenic. Last evaluated: 2024-01-12. Review status: criteria provided, single submitter. Criteria: Invitae Variant Classification Sherloc (09022015). Collection method: clinical testing. Allele origin: germline.
Comment: This sequence change creates a premature translational stop signal (p.Arg61*) in the ERCC2 gene. It is expected to result in an absent or disrupted protein product. Loss-of-function variants in ERCC2 are known to be pathogenic (PMID: 9238033, 11335038, 19085937, 19934020). This variant is not present in population databases (gnomAD no frequency). This variant has not been reported in the literature in individuals affected with ERCC2-related conditions. Algorithms developed to predict the effect of sequence changes on RNA splicing suggest that this variant may disrupt the consensus splice site. For these reasons, this variant has been classified as Pathogenic.

Literature cited by the submitters: PubMed 9238033 (cited by Labcorp Genetics (formerly Invitae), Labcorp); PubMed 11335038 (cited by Labcorp Genetics (formerly Invitae), Labcorp); PubMed 19085937 (cited by Labcorp Genetics (formerly Invitae), Labcorp); PubMed 19934020 (cited by Labcorp Genetics (formerly Invitae), Labcorp).